The following is an entry in ClinVar:

ClinVar aggregate classification (germline): Uncertain significance (1 of 4 stars; one submission).

Conditions:
Neuropathy, hereditary sensory and autonomic, type 2A (HSAN2A). Also called: HSAN IIA; ACROOSTEOLYSIS, GIACCAI TYPE; ACROOSTEOLYSIS, NEUROGENIC; MORVAN DISEASE; NEUROPATHY, CONGENITAL SENSORY; NEUROPATHY, HEREDITARY SENSORY RADICULAR, AUTOSOMAL RECESSIVE. Identifiers: Orphanet 970, MedGen C2752089, MONDO:0024309, OMIM 201300.
Generalized epilepsy with febrile seizures plus, type 7 (GEFSP7). Also called: GEFS+, TYPE 7. Identifiers: Orphanet 36387, MedGen C2751778, MONDO:0013470, OMIM 613863.

Submission:

Labcorp Genetics (formerly Invitae), Labcorp
Classification: Uncertain significance for Neuropathy, hereditary sensory and autonomic, type 2A; Generalized epilepsy with febrile seizures plus, type 7. Last evaluated: 2025-08-06. Review status: criteria provided, single submitter. Criteria: Invitae Variant Classification Sherloc (09022015). Collection method: clinical testing. Allele origin: germline.
Comment: This sequence change falls in intron 26 of the SCN9A gene. It does not directly change the encoded amino acid sequence of the SCN9A protein. This variant is not present in population databases (gnomAD no frequency). This variant has not been reported in the literature in individuals affected with SCN9A-related conditions. This variant is also known as c.4742-47_4770dup (Exon 27). ClinVar contains an entry for this variant (Variation ID: 1019410). In summary, the available evidence is currently insufficient to determine the role of this variant in disease. Therefore, it has been classified as a Variant of Uncertain Significance.

NM_001365536.1(SCN9A):c.4775-47_4803dup

Genes: SCN1A-AS1 (SCN1A and SCN9A antisense RNA 1; plus strand), SCN9A (sodium voltage-gated channel alpha subunit 9; minus strand). Cytogenetic location: 2q24.3.
Variant type: Duplication.
Coding change: c.4775-47_4803dup on transcript NM_001365536.1 (MANE Select); 47 bases into the intron before coding-DNA position 4775 through coding-DNA position 4803, 76 bases duplicated.
Molecular consequence: splice acceptor variant.
Genome position (GRCh38, 1-based): chr2:166,199,836-166,199,911, 76 bases duplicated. GRCh37 (hg19): chr2:167,056,347-167,056,422.
Other names: c.4742-47_4770dup (NM_002977.4).
Identifiers: ClinVar variation 1019410 (VCV001019410.7), dbSNP rs1693397438, ClinGen allele CA1304929644.